The following is an entry in ClinVar:

NM_000310.4(PPT1):c.124+325T>C

Gene: PPT1 (palmitoyl-protein thioesterase 1; minus strand). Cytogenetic location: 1p34.2.
Variant type: single nucleotide variant.
Coding change: c.124+325T>C on transcript NM_000310.4 (MANE Select); 325 bases into the intron after coding-DNA position 124, T replaced by C.
Molecular consequence: intron variant.
Genome position (GRCh38, 1-based): chr1:40,096,790, A>G on the plus strand (T>C on the coding strand, the complement: PPT1 is on the minus strand). VCF-style: chr1-40096790-A-G. GRCh37 (hg19) VCF-style: chr1-40562462-A-G.
Other names: c.124+325T>C (NM_001142604.2, NM_001363695.2).
Identifiers: ClinVar variation 672856 (VCV000672856.1), dbSNP rs146759503, ClinGen allele CA21020649.

ClinVar aggregate classification (germline): Likely benign (1 of 4 stars; one submission).

Allele frequency attached by ClinVar (database versions not stated): 1000 Genomes Project 0.00120; gnomAD 0.00343 and 0.00331; gnomAD exomes 0.00389; 1000 Genomes Project 30x 0.00125; TOPMed 0.00180.
gnomAD v4.1: 1,382 of 381,452 alleles (0.36%); highest among the groups gnomAD compares: Non-Finnish European, 0.47%; 11 homozygotes.

Submission:

GeneDx
Classification: Likely benign. Last evaluated: 2018-06-14. Review status: criteria provided, single submitter. Criteria: GeneDx Variant Classification (06012015). Collection method: clinical testing. Allele origin: germline. Affected: yes.
Comment: This variant is considered likely benign or benign based on one or more of the following criteria: it is a conservative change, it occurs at a poorly conserved position in the protein, it is predicted to be benign by multiple in silico algorithms, and/or has population frequency not consistent with disease.